The following is an entry in ClinVar:

ClinVar aggregate classification (germline): Likely pathogenic (1 of 4 stars; one submission).

Conditions:
Tay-Sachs disease (TSD). Also called: HEXA DEFICIENCY; HEXA Disorders; GM2 gangliosidosis, type 1; Hexosaminidase alpha-subunit deficiency (variant B); Sphingolipidosis, Tay-Sachs; Hexosaminidase A Deficiency. Identifiers: Orphanet 845, MedGen C0039373, MONDO:0010100, OMIM 272800.

Submission:

Natera, Inc.
Classification: Likely pathogenic for Tay-Sachs disease. Last evaluated: 2026-01-05. Review status: criteria provided, single submitter. Criteria: Natera Variant Classification Schema (03/2026). Collection method: clinical testing. Allele origin: germline.
Comment: The c.1260G>T variant in HEXA is a missense variant predicted to cause substitution of tryptophan to cysteine at amino acid 420. This variant is rare in the general population with a frequency below the threshold expected for the associated phenotype(s). This variant has been observed in one or more individuals affected with the associated recessive disease, as either homozygous or compound heterozygous with a second variant (PMID: 14566483). This variant has been identified in one or more affected individual with a phenotype highly consistent with the associated gene (PMID: 14566483). Functional studies show that this variant may disrupt protein function (PMID: 2144098). Computational prediction algorithms indicate this variant is likely to affect gene or protein function. Given the available evidence, this variant is classified as Likely Pathogenic.

Literature cited by the submitters: PubMed 14566483; PubMed 2144098.

NM_000520.6(HEXA):c.1260G>T (p.Trp420Cys)

Gene: HEXA (hexosaminidase subunit alpha; minus strand). Cytogenetic location: 15q23.
Variant type: single nucleotide variant.
Coding change: c.1260G>T on transcript NM_000520.6 (MANE Select); coding-DNA position 1260, G replaced by T.
Protein change: p.Trp420Cys; replaces tryptophan 420 with cysteine.
Molecular consequence: missense variant.
Genome position (GRCh38, 1-based): chr15:72,346,597, C>A on the plus strand (G>T on the coding strand, the complement: HEXA is on the minus strand). VCF-style: chr15-72346597-C-A. GRCh37 (hg19) VCF-style: chr15-72638938-C-A.
Other names: c.1293G>T, p.Trp431Cys (NM_001318825.2); short protein forms W420C, W431C.
Identifiers: ClinVar variation 4818715 (VCV004818715.1).
Genomic context (GRCh38, chr15:72,346,597, plus strand): 5'-CAGGGGTTCCACTATGTAGAAATCCTTCCAGTCAGGGCCATAGGATATACGGTTCAGGTA[C>A]CAGGGGGCAGAGAGAAGGGCCCGGAAGCCGGCCTTGGTGACCAGTTCCAGCTCCTTCATA-3'
Protein context (NP_000511.2, residues 410-430): AGFRALLSAP[Trp420Cys]YLNRISYGPD